The following is an entry in ClinVar:

ClinVar aggregate classification (germline): Uncertain significance. Review status: criteria provided, multiple submitters, no conflicts (2 of 4 stars). 2 submissions from 2 submitters: Uncertain significance (2). Last evaluated 2024-11-24.

Conditions:
RASopathy. Also called: rasopathies; Noonan spectrum disorder. Identifiers: Orphanet 536391, MedGen C5555857, MONDO:0021060.
Cardiovascular phenotype. Identifiers: MedGen CN230736.

Submissions (2):

Ambry Genetics
Classification: Uncertain significance for Cardiovascular phenotype. Last evaluated: 2024-11-24. Review status: criteria provided, single submitter. Criteria: Ambry Variant Classification Scheme 2023. Collection method: clinical testing. Allele origin: germline.
Comment: The p.L334M variant (also known as c.1000C>A), located in coding exon 9 of the PTPN11 gene, results from a C to A substitution at nucleotide position 1000. The leucine at codon 334 is replaced by methionine, an amino acid with highly similar properties. This amino acid position is conserved. In addition, the in silico prediction for this alteration is inconclusive. Based on the available evidence, the clinical significance of this variant remains unclear.

Labcorp Genetics (formerly Invitae), Labcorp
Classification: Uncertain significance for RASopathy. Last evaluated: 2024-07-25. Review status: criteria provided, single submitter. Criteria: Invitae Variant Classification Sherloc (09022015). Collection method: clinical testing. Allele origin: germline.
Comment: This sequence change replaces leucine, which is neutral and non-polar, with methionine, which is neutral and non-polar, at codon 334 of the PTPN11 protein (p.Leu334Met). This variant is not present in population databases (gnomAD no frequency). This variant has not been reported in the literature in individuals affected with PTPN11-related conditions. Advanced modeling of protein sequence and biophysical properties (such as structural, functional, and spatial information, amino acid conservation, physicochemical variation, residue mobility, and thermodynamic stability) performed at Invitae indicates that this missense variant is expected to disrupt PTPN11 protein function with a positive predictive value of 95%. In summary, the available evidence is currently insufficient to determine the role of this variant in disease. Therefore, it has been classified as a Variant of Uncertain Significance.

NM_002834.5(PTPN11):c.1000C>A (p.Leu334Met)

Gene: PTPN11 (protein tyrosine phosphatase non-receptor type 11; plus strand). Cytogenetic location: 12q24.13.
Variant type: single nucleotide variant.
Coding change: c.1000C>A on transcript NM_002834.5 (MANE Select); coding-DNA position 1000, C replaced by A.
Protein change: p.Leu334Met; replaces leucine 334 with methionine.
Molecular consequence: missense variant.
Genome position (GRCh38, 1-based): chr12:112,477,923, C>A. VCF-style: chr12-112477923-C-A. GRCh37 (hg19) VCF-style: chr12-112915727-C-A.
Other names: c.1000C>A, p.Leu334Met (NM_001330437.2, NM_080601.3); c.997C>A, p.Leu333Met (NM_001374625.1); short protein forms L334M, L333M.
Identifiers: ClinVar variation 3427711 (VCV003427711.3).